The following is an entry in ClinVar:

NM_006393.3(NEBL):c.1063G>A (p.Val355Ile)

Gene: NEBL (nebulette; minus strand). Cytogenetic location: 10p12.31.
Variant type: single nucleotide variant.
Coding change: c.1063G>A on transcript NM_006393.3 (MANE Select); coding-DNA position 1063, G replaced by A.
Protein change: p.Val355Ile; replaces valine 355 with isoleucine.
Molecular consequence: missense variant. On other transcripts: intron variant (9).
Genome position (GRCh38, 1-based): chr10:20,850,448, C>T on the plus strand (G>A on the coding strand, the complement: NEBL is on the minus strand). VCF-style: chr10-20850448-C-T. GRCh37 (hg19) VCF-style: chr10-21139377-C-T.
Other names: c.250-37508G>A (NM_001377326.1, NM_001377327.1, NM_001377328.1); c.358-37508G>A (NM_213569.2, NM_001173484.2, NM_001377322.1); c.301-37508G>A (NM_001377324.1); c.292-37508G>A (NM_001377325.1); c.310-37508G>A (NM_001377323.1); short protein forms V355I.
Identifiers: ClinVar variation 4826137 (VCV004826137.1).
Genomic context (GRCh38, chr10:20,850,448, plus strand): 5'-GACCTACTTCACTTTGCATCTTTTGAGCCTCCTTTGAAGCTTGATATGATGGTGTCTCAA[C>T]AAATTCAAGCATTGGCTTTCCCTTATTTTTCTCATATTCTTCTTTATATTTCACCTTCAT-3'
Protein context (NP_006384.1, residues 345-365): KNKGKPMLEF[Val355Ile]ETPSYQASKE

ClinVar aggregate classification (germline): Uncertain significance (1 of 4 stars; one submission).

gnomAD v4.1: 1 of 1,612,526 alleles (0.000062%); highest among the groups gnomAD compares: South Asian, 0.0011%; no homozygotes.

Submission:

Ambry Genetics
Classification: Uncertain significance. Last evaluated: 2026-03-01. Review status: criteria provided, single submitter. Criteria: Ambry Variant Classification Scheme 2023. Collection method: clinical testing. Allele origin: germline.
Comment: The p.V355I variant (also known as c.1063G>A), located in coding exon 11 of the NEBL gene, results from a G to A substitution at nucleotide position 1063. The valine at codon 355 is replaced by isoleucine, an amino acid with highly similar properties. This amino acid position is conserved. In addition, this alteration is predicted to be tolerated by in silico analysis. Based on the available evidence, the clinical significance of this variant remains unclear.